The following is an entry in ClinVar:

NM_001267550.2(TTN):c.54401A>G (p.Asn18134Ser)

Genes: TTN-AS1 (TTN antisense RNA 1; plus strand), TTN (titin; minus strand). Cytogenetic location: 2q31.2.
Variant type: single nucleotide variant.
Coding change: c.54401A>G on transcript NM_001267550.2 (MANE Select); coding-DNA position 54401, A replaced by G.
Protein change: p.Asn18134Ser; replaces asparagine 18134 with serine.
Molecular consequence: missense variant.
Genome position (GRCh38, 1-based): chr2:178,604,286, T>C on the plus strand (A>G on the coding strand, the complement: TTN is on the minus strand). VCF-style: chr2-178604286-T-C. GRCh37 (hg19) VCF-style: chr2-179469013-T-C.
Other names: c.49478A>G, p.Asn16493Ser (NM_001256850.1); c.27206A>G, p.Asn9069Ser (NM_003319.4); c.46697A>G, p.Asn15566Ser (NM_133378.4); c.27581A>G, p.Asn9194Ser (NM_133432.3); c.27782A>G, p.Asn9261Ser (NM_133437.4); short protein forms N18134S, N9069S, N9261S, N16493S, N9194S, N15566S.
Identifiers: ClinVar variation 425243 (VCV000425243.43), dbSNP rs971483896, ClinGen allele CA16621779.

ClinVar aggregate classification (germline): Conflicting classifications of pathogenicity. Review status: criteria provided, conflicting classifications (1 of 4 stars). 2 submissions from 2 submitters: Uncertain significance (1); Likely benign (1). Last evaluated 2026-03-27.

Allele frequency attached by ClinVar (database versions not stated): gnomAD 0.00001; gnomAD exomes 0.00002; TOPMed 0.00003.
gnomAD v4.1: 29 of 1,479,172 alleles (0.002%); highest among the groups gnomAD compares: Non-Finnish European, 0.0025%; no homozygotes.

Submissions (2):

Molecular Diagnostic Laboratory for Inherited Cardiovascular Disease, Montreal Heart Institute
Classification: Likely benign. Last evaluated: 2026-03-27. Review status: criteria provided, single submitter. Criteria: ACMG Guidelines, 2015. Collection method: clinical testing. Allele origin: germline. Affected: no.
Comment: BP1

CeGaT Center for Human Genetics Tuebingen
Classification: Uncertain significance. Last evaluated: 2016-09-01. Review status: criteria provided, single submitter. Criteria: CeGaT Center For Human Genetics Tuebingen Variant Classification Criteria Version 2. Collection method: clinical testing. Allele origin: germline. Affected: yes. Observed: 1 variant allele.